The following is an entry in ClinVar:

ClinVar aggregate classification (germline): Uncertain significance. Review status: criteria provided, multiple submitters, no conflicts (2 of 4 stars). 2 submissions from 2 submitters: Uncertain significance (2). Last evaluated 2026-02-03.

Conditions:
Inborn genetic diseases. Identifiers: MedGen C0950123, MeSH D030342.
Baller-Gerold syndrome (BGS). Also called: CRANIOSYNOSTOSIS WITH RADIAL DEFECTS. Identifiers: Orphanet 1225, MedGen C0265308, MONDO:0009039, OMIM 218600.

Submissions (2):

Labcorp Genetics (formerly Invitae), Labcorp
Classification: Uncertain significance for Baller-Gerold syndrome. Last evaluated: 2026-02-03. Review status: criteria provided, single submitter. Criteria: Invitae Variant Classification Sherloc (09022015). Collection method: clinical testing. Allele origin: germline.
Comment: This sequence change replaces valine, which is neutral and non-polar, with isoleucine, which is neutral and non-polar, at codon 303 of the RECQL4 protein (p.Val303Ile). This variant is present in population databases (no rsID available, gnomAD 0.006%). This variant has not been reported in the literature in individuals affected with RECQL4-related conditions. ClinVar contains an entry for this variant (Variation ID: 459526). Invitae Evidence Modeling of protein sequence and biophysical properties (such as structural, functional, and spatial information, amino acid conservation, physicochemical variation, residue mobility, and thermodynamic stability) indicates that this missense variant is not expected to disrupt RECQL4 protein function with a negative predictive value of 80%. In summary, the available evidence is currently insufficient to determine the role of this variant in disease. Therefore, it has been classified as a Variant of Uncertain Significance.

Ambry Genetics
Classification: Uncertain significance for Inborn genetic diseases. Last evaluated: 2025-01-06. Review status: criteria provided, single submitter. Criteria: Ambry Variant Classification Scheme 2023. Collection method: clinical testing. Allele origin: germline.
Comment: The p.V303I variant (also known as c.907G>A), located in coding exon 5 of the RECQL4 gene, results from a G to A substitution at nucleotide position 907. The valine at codon 303 is replaced by isoleucine, an amino acid with highly similar properties. This amino acid position is conserved. In addition, this alteration is predicted to be tolerated by in silico analysis. Based on the available evidence, the clinical significance of this variant remains unclear.

NM_004260.4(RECQL4):c.907G>A (p.Val303Ile)

Gene: RECQL4 (RecQ like helicase 4; minus strand). Cytogenetic location: 8q24.3.
Variant type: single nucleotide variant.
Coding change: c.907G>A on transcript NM_004260.4 (MANE Select); coding-DNA position 907, G replaced by A.
Protein change: p.Val303Ile; replaces valine 303 with isoleucine.
Molecular consequence: missense variant.
Genome position (GRCh38, 1-based): chr8:144,516,212, C>T on the plus strand (G>A on the coding strand, the complement: RECQL4 is on the minus strand). VCF-style: chr8-144516212-C-T. GRCh37 (hg19) VCF-style: chr8-145741596-C-T.
Other names: short protein forms V303I.
Identifiers: ClinVar variation 459526 (VCV000459526.8), dbSNP rs1489813654, ClinGen allele CA372688694.